The following is an entry in ClinVar:

NM_001003841.3(SLC6A19):c.1315G>A (p.Val439Ile)

Gene: SLC6A19 (solute carrier family 6 member 19; plus strand). Cytogenetic location: 5p15.33.
Variant type: single nucleotide variant.
Coding change: c.1315G>A on transcript NM_001003841.3 (MANE Select); coding-DNA position 1315, G replaced by A.
Protein change: p.Val439Ile; replaces valine 439 with isoleucine.
Molecular consequence: missense variant.
Genome position (GRCh38, 1-based): chr5:1,219,044, G>A. VCF-style: chr5-1219044-G-A. GRCh37 (hg19) VCF-style: chr5-1219159-G-A.
Other names: short protein forms V439I.
Identifiers: ClinVar variation 2202905 (VCV002202905.1), dbSNP rs559766213, ClinGen allele CA3183123.

ClinVar aggregate classification (germline): Uncertain significance (1 of 4 stars; one submission).

Allele frequency attached by ClinVar (database versions not stated): gnomAD 0.00003; gnomAD exomes 0.00003; TOPMed 0.00003; ExAC 0.00007; 1000 Genomes Project 0.00020; 1000 Genomes Project 30x 0.00031.
gnomAD v4.1: 50 of 1,614,004 alleles (0.0031%); highest among the groups gnomAD compares: Admixed American, 0.018%; no homozygotes.

Submission:

Labcorp Genetics (formerly Invitae), Labcorp
Classification: Uncertain significance. Last evaluated: 2022-04-13. Review status: criteria provided, single submitter. Criteria: Invitae Variant Classification Sherloc (09022015). Collection method: clinical testing. Allele origin: germline.
Comment: This sequence change replaces valine, which is neutral and non-polar, with isoleucine, which is neutral and non-polar, at codon 439 of the SLC6A19 protein (p.Val439Ile). This variant is present in population databases (rs559766213, gnomAD 0.03%). This variant has not been reported in the literature in individuals affected with SLC6A19-related conditions. Advanced modeling of protein sequence and biophysical properties (such as structural, functional, and spatial information, amino acid conservation, physicochemical variation, residue mobility, and thermodynamic stability) performed at Invitae indicates that this missense variant is not expected to disrupt SLC6A19 protein function. In summary, the available evidence is currently insufficient to determine the role of this variant in disease. Therefore, it has been classified as a Variant of Uncertain Significance.